The following is an entry in ClinVar:

ClinVar aggregate classification (germline): Uncertain significance (1 of 4 stars; one submission).

Allele frequency attached by ClinVar (database versions not stated): gnomAD exomes below 0.00001; gnomAD 0.00001.
gnomAD v4.1: 2 of 1,567,694 alleles (0.00013%); highest among the groups gnomAD compares: African/African-American, 0.0014%; no homozygotes.

Submission:

GeneDx
Classification: Uncertain significance. Last evaluated: 2023-01-04. Review status: criteria provided, single submitter. Criteria: GeneDx Variant Classification Process June 2021. Collection method: clinical testing. Allele origin: germline. Affected: yes.
Comment: Not observed at significant frequency in large population cohorts (gnomAD); In silico analysis supports that this missense variant does not alter protein structure/function; Has not been previously published as pathogenic or benign to our knowledge

NM_004447.6(EPS8):c.107G>A (p.Gly36Asp)

Gene: EPS8 (EGFR pathway substrate 8, signaling adaptor; minus strand). Cytogenetic location: 12p12.3.
Variant type: single nucleotide variant.
Coding change: c.107G>A on transcript NM_004447.6 (MANE Select); coding-DNA position 107, G replaced by A.
Protein change: p.Gly36Asp; replaces glycine 36 with aspartic acid.
Molecular consequence: missense variant. On other transcripts: 5 prime UTR variant (1), non-coding transcript variant (3), intron variant (2).
Genome position (GRCh38, 1-based): chr12:15,681,255, C>T on the plus strand (G>A on the coding strand, the complement: EPS8 is on the minus strand). VCF-style: chr12-15681255-C-T. GRCh37 (hg19) VCF-style: chr12-15834189-C-T.
Other names: c.107G>A, p.Gly36Asp (NM_001413831.1, NM_001413832.1, NM_001413833.1 and 3 more transcripts); c.-315G>A (NM_001413837.1); c.-104-10332G>A (NM_001413836.1); c.-105+1638G>A (NM_001413835.1); short protein forms G36D.
Identifiers: ClinVar variation 2571750 (VCV002571750.1), dbSNP rs1243474310, ClinGen allele CA384036324.
Genomic context (GRCh38, chr12:15,681,255, plus strand): 5'-AAATTATACCCTATCAAATAAACAAACCTACCATAAAGGGCCTTTGCACTTGTTTTTGAA[C>T]CATGTTCTCTGTCCGTCTGGGAAAAGGTAGGTGATGATCCGTAGCCACTGTAATAATAAT-3'
Protein context (NP_004438.3, residues 26-46): PTFSQTDREH[Gly36Asp]SKTSAKALYE